The following is an entry in ClinVar:

NM_001164508.2(NEB):c.4305G>A (p.Val1435=)

Gene: NEB (nebulin; minus strand). Cytogenetic location: 2q23.3.
Variant type: single nucleotide variant.
Coding change: c.4305G>A on transcript NM_001164508.2 (MANE Select); coding-DNA position 4305, G replaced by A.
Protein change: p.Val1435=; no amino-acid change (valine 1435 retained).
Molecular consequence: synonymous variant.
Genome position (GRCh38, 1-based): chr2:151,671,224, C>T on the plus strand (G>A on the coding strand, the complement: NEB is on the minus strand). VCF-style: chr2-151671224-C-T. GRCh37 (hg19) VCF-style: chr2-152527738-C-T.
Other names: c.4305G>A, p.Val1435= (NM_001164507.2, NM_001271208.2, NM_004543.5); c.4305G>A (NM_001271208.1).
Identifiers: ClinVar variation 1099643 (VCV001099643.14), dbSNP rs111241479, ClinGen allele CA1910659.

ClinVar aggregate classification (germline): Likely benign. Review status: criteria provided, single submitter (1 of 4 stars). 3 submissions from 3 submitters: Likely benign (1). 2 of the submissions do not count toward it. Last evaluated 2025-12-29.

Conditions:
Nemaline myopathy 2 (NEM2). Also called: Nemaline myopathy 2, autosomal recessive. Identifiers: MedGen C1850569, MONDO:0009725, OMIM 256030.
NEB-related disorder. Also called: NEB-Related Disorders; NEB-related condition.

Allele frequency attached by ClinVar (database versions not stated): ExAC 0.00005; ESP Exome Variant Server 0.00008; gnomAD 0.00015 and 0.00014; 1000 Genomes Project 0.00020; gnomAD exomes 0.00003; 1000 Genomes Project 30x 0.00031.

Submissions (3):

Labcorp Genetics (formerly Invitae), Labcorp
Classification: Likely benign for Nemaline myopathy 2. Last evaluated: 2025-12-29. Review status: criteria provided, single submitter. Criteria: Invitae Variant Classification Sherloc (09022015). Collection method: clinical testing. Allele origin: germline.

Natera, Inc.
Classification: Likely benign for Nemaline myopathy type 2. Last evaluated: 2020-05-02. Review status: no assertion criteria provided. Collection method: clinical testing. Allele origin: germline. Not counted in ClinVar's aggregate classification.

PreventionGenetics, part of Exact Sciences
Classification: Likely benign for NEB-related condition. Last evaluated: 2019-04-10. Review status: no assertion criteria provided. Collection method: clinical testing. Allele origin: germline. Not counted in ClinVar's aggregate classification.
Comment: This variant is classified as likely benign based on ACMG/AMP sequence variant interpretation guidelines (Richards et al. 2015 PMID: 25741868, with internal and published modifications).